The following is an entry in ClinVar:

ClinVar aggregate classification (germline): Uncertain significance. Review status: criteria provided, multiple submitters, no conflicts (2 of 4 stars). 2 submissions from 2 submitters: Uncertain significance (2). Last evaluated 2025-08-06.

Conditions:
LZTR1-related schwannomatosis. Also called: Schwannomatosis 2; Schwannomatosis-2, susceptibility to. Identifiers: Orphanet 93921, MedGen C3810283, MONDO:0014299, OMIM 615670.
Noonan syndrome 2 (NS2). Identifiers: Orphanet 648, MedGen C1854469, MONDO:0011531, OMIM 605275.
Noonan syndrome 10 (NS10). Identifiers: Orphanet 648, MedGen C4225280, MONDO:0014693, OMIM 616564.

Submissions (2):

Labcorp Genetics (formerly Invitae), Labcorp
Classification: Uncertain significance. Last evaluated: 2025-08-06. Review status: criteria provided, single submitter. Criteria: Invitae Variant Classification Sherloc (09022015). Collection method: clinical testing. Allele origin: germline.
Comment: This sequence change falls in intron 11 of the LZTR1 gene. It does not directly change the encoded amino acid sequence of the LZTR1 protein. This variant is present in population databases (no rsID available, gnomAD 0.007%). This variant has not been reported in the literature in individuals affected with LZTR1-related conditions. ClinVar contains an entry for this variant (Variation ID: 2703825). Algorithms developed to predict the effect of sequence changes on RNA splicing suggest that this variant may disrupt the consensus splice site. In summary, the available evidence is currently insufficient to determine the role of this variant in disease. Therefore, it has been classified as a Variant of Uncertain Significance.

Fulgent Genetics
Classification: Uncertain significance for Noonan syndrome 2; LZTR1-related schwannomatosis; Noonan syndrome 10. Last evaluated: 2024-06-20. Review status: criteria provided, single submitter. Criteria: ACMG Guidelines, 2015. Collection method: clinical testing. Allele origin: germline.

NM_006767.4(LZTR1):c.1261-6T>G

Gene: LZTR1 (leucine zipper like post translational regulator 1; plus strand). Cytogenetic location: 22q11.21.
Variant type: single nucleotide variant.
Coding change: c.1261-6T>G on transcript NM_006767.4 (MANE Select); 6 bases into the intron before coding-DNA position 1261, T replaced by G.
Molecular consequence: intron variant.
Genome position (GRCh38, 1-based): chr22:20,993,656, T>G. VCF-style: chr22-20993656-T-G. GRCh37 (hg19) VCF-style: chr22-21347945-T-G.
Identifiers: ClinVar variation 2703825 (VCV002703825.4), dbSNP rs760640586, ClinGen allele CA638942774.